The following is an entry in ClinVar:

NM_002439.5(MSH3):c.1163T>C (p.Ile388Thr)

Gene: MSH3 (mutS homolog 3; plus strand). Cytogenetic location: 5q14.1.
Variant type: single nucleotide variant.
Coding change: c.1163T>C on transcript NM_002439.5 (MANE Select); coding-DNA position 1163, T replaced by C.
Protein change: p.Ile388Thr; replaces isoleucine 388 with threonine.
Molecular consequence: missense variant.
Genome position (GRCh38, 1-based): chr5:80,675,118, T>C. VCF-style: chr5-80675118-T-C. GRCh37 (hg19) VCF-style: chr5-79970937-T-C.
Other names: short protein forms I388T.
Identifiers: ClinVar variation 938266 (VCV000938266.12), dbSNP rs146475000, ClinGen allele CA121295259.
Genomic context (GRCh38, chr5:80,675,118, plus strand): 5'-TTCTGTGCATCTCTGAAAATAAGGAAAATGTTAGGGACAAAAAAAAGGGCAACATTTTTA[T>C]TGGCATTGTGGTAAGTACTTTGCAGGTGAGGAACAAATGTTAGATGTTCATGGTATCTCT-3'
Protein context (NP_002430.3, residues 378-398): VRDKKKGNIF[Ile388Thr]GIVGVQPATG

ClinVar aggregate classification (germline): Uncertain significance. Review status: criteria provided, multiple submitters, no conflicts (2 of 4 stars). 3 submissions from 3 submitters: Uncertain significance (3). Last evaluated 2025-02-25.

Conditions:
Hereditary cancer-predisposing syndrome. Also called: Tumor predisposition; Hereditary neoplastic syndrome; Hereditary Cancer Syndrome; Neoplastic Syndromes, Hereditary. Identifiers: Orphanet 140162, MedGen C0027672, MeSH D009386, MONDO:0015356.

Allele frequency attached by ClinVar (database versions not stated): gnomAD 0.00001; ESP Exome Variant Server 0.00008.
gnomAD v4.1: 2 of 1,613,698 alleles (0.00012%); highest among the groups gnomAD compares: African/African-American, 0.0027%; no homozygotes.

Submissions (3):

Labcorp Genetics (formerly Invitae), Labcorp
Classification: Uncertain significance. Last evaluated: 2025-02-25. Review status: criteria provided, single submitter. Criteria: Invitae Variant Classification Sherloc (09022015). Collection method: clinical testing. Allele origin: germline.
Comment: This sequence change replaces isoleucine, which is neutral and non-polar, with threonine, which is neutral and polar, at codon 388 of the MSH3 protein (p.Ile388Thr). This variant is not present in population databases (gnomAD no frequency). This variant has not been reported in the literature in individuals affected with MSH3-related conditions. ClinVar contains an entry for this variant (Variation ID: 938266). An algorithm developed to predict the effect of missense changes on protein structure and function (PolyPhen-2) suggests that this variant is likely to be tolerated. In summary, the available evidence is currently insufficient to determine the role of this variant in disease. Therefore, it has been classified as a Variant of Uncertain Significance.

Ambry Genetics
Classification: Uncertain significance for Hereditary cancer-predisposing syndrome. Last evaluated: 2025-02-21. Review status: criteria provided, single submitter. Criteria: Ambry Variant Classification Scheme 2023. Collection method: clinical testing. Allele origin: germline.
Comment: The p.I388T variant (also known as c.1163T>C), located in coding exon 7 of the MSH3 gene, results from a T to C substitution at nucleotide position 1163. The isoleucine at codon 388 is replaced by threonine, an amino acid with similar properties. This amino acid position is conserved. In addition, the in silico prediction for this alteration is inconclusive. Since supporting evidence is limited at this time, the clinical significance of this alteration remains unclear.

Sema4
Classification: Uncertain significance for Hereditary cancer-predisposing syndrome. Last evaluated: 2021-06-16. Review status: criteria provided, single submitter. Criteria: Sema4 Curation Guidelines. Collection method: curation. Allele origin: germline.
Comment: The MSH3 c.1163T>C (p.I388T) variant has not been reported in the literature to our knowledge. It was not observed in the large and broad cohorts of the Genome Aggregation Database (PMID: 32461654). The variant has been reported in ClinVar (Variation ID: 938266). In silico tools suggest the impact of the variant on protein function is inconclusive, though these predictions have not been confirmed by functional studies. The evidence is insufficient to meet ACMG/AMP criteria for classifying the variant as benign or pathogenic. Thus, the clinical significance of this variant is currently uncertain.